The following is an entry in ClinVar:

NM_003924.4(PHOX2B):c.13G>T (p.Glu5Ter)

Genes: PHOX2B-AS1 (PHOX2B antisense RNA 1; plus strand), PHOX2B (paired like homeobox 2B; minus strand). Cytogenetic location: 4p13.
Variant type: single nucleotide variant.
Coding change: c.13G>T on transcript NM_003924.4 (MANE Select); coding-DNA position 13, G replaced by T.
Protein change: p.Glu5Ter; replaces glutamic acid 5 with a stop codon.
Molecular consequence: nonsense.
Genome position (GRCh38, 1-based): chr4:41,748,598, C>A on the plus strand (G>T on the coding strand, the complement: PHOX2B is on the minus strand). VCF-style: chr4-41748598-C-A. GRCh37 (hg19) VCF-style: chr4-41750615-C-A.
Other names: short protein forms E5*.
Identifiers: ClinVar variation 1458842 (VCV001458842.10), dbSNP rs2153113084, ClinGen allele CA356741418.

ClinVar aggregate classification (germline): Pathogenic. Review status: criteria provided, multiple submitters, no conflicts (2 of 4 stars). 2 submissions from 2 submitters: Pathogenic (2). Last evaluated 2021-01-10.

Conditions:
Hereditary cancer-predisposing syndrome. Also called: Neoplastic Syndromes, Hereditary; Hereditary Cancer Syndrome; Hereditary neoplastic syndrome; Tumor predisposition. Identifiers: Orphanet 140162, MedGen C0027672, MeSH D009386, MONDO:0015356.
Haddad syndrome (OHD). Also called: Ondine-Hirschsprung disease. Identifiers: Orphanet 99803, MedGen C1859049, MONDO:0020493.

Submissions (2):

Labcorp Genetics (formerly Invitae), Labcorp
Classification: Pathogenic for Haddad syndrome. Last evaluated: 2021-01-10. Review status: criteria provided, single submitter. Criteria: Invitae Variant Classification Sherloc (09022015). Collection method: clinical testing. Allele origin: germline.
Comment: For these reasons, this variant has been classified as Pathogenic. This variant has been observed in individual(s) with congenital central hypoventilation syndrome (CCHS) (PMID: 28371199). This variant is not present in population databases (ExAC no frequency). This sequence change creates a premature translational stop signal (p.Glu5*) in the PHOX2B gene. It is expected to result in an absent or disrupted protein product. Loss-of-function variants in PHOX2B are known to be pathogenic (PMID: 25156769).

Ambry Genetics
Classification: Pathogenic for Hereditary cancer-predisposing syndrome. Last evaluated: 2014-12-04. Review status: criteria provided, single submitter. Criteria: Ambry Variant Classification Scheme 2023. Collection method: clinical testing. Allele origin: germline.
Comment: The p.E5* pathogenic mutation (also known as c.13G>T) located in coding exon 1 of the PHOX2B gene, results from a G to T substitution at nucleotide position 13. This changes the amino acid from a glutamic acid to a stop codon within coding exon 1. Since premature stop codons are typically deleterious in nature, this alteration is interpreted as a disease-causing mutation (ACMG Recommendations for Standards for Interpretation and Reporting of Sequence Variations. Revision 2007. Genet Med. 2008;10:294).

Literature cited by the submitters: PubMed 28371199 (cited by Labcorp Genetics (formerly Invitae), Labcorp); PubMed 25156769 (cited by Labcorp Genetics (formerly Invitae), Labcorp).